The following is an entry in ClinVar:

ClinVar aggregate classification (germline): Uncertain significance. Review status: criteria provided, multiple submitters, no conflicts (2 of 4 stars). 3 submissions from 3 submitters: Uncertain significance (2). 1 of the submissions does not count toward it. Last evaluated 2026-05-01.

Conditions:
Myeloperoxidase deficiency (MPOD). Also called: MPO DEFICIENCY; Myeloperoxidase deficiency syndrome. Identifiers: Orphanet 2587, MedGen C0398595, MONDO:0009694, OMIM 254600.

Allele frequency attached by ClinVar (database versions not stated): gnomAD 0.00001; gnomAD exomes 0.00001; ExAC 0.00002.
gnomAD v4.1: 19 of 1,613,684 alleles (0.0012%); highest among the groups gnomAD compares: East Asian, 0.0045%; no homozygotes.

Submissions (3):

CeGaT Center for Human Genetics Tuebingen
Classification: Uncertain significance. Last evaluated: 2026-05-01. Review status: criteria provided, single submitter. Criteria: CeGaT Center For Human Genetics Tuebingen Variant Classification Criteria Version 2. Collection method: clinical testing. Allele origin: germline. Affected: yes. Observed: 1 variant allele.
Comment: MPO: PM2, PM3, PP3

Ambry Genetics
Classification: Uncertain significance. Last evaluated: 2025-11-12. Review status: criteria provided, single submitter. Criteria: Ambry Variant Classification Scheme 2023. Collection method: clinical testing. Allele origin: germline.

Koker Lab, University of Erciyes Medical School
Classification: Pathogenic for Myeloperoxidase deficiency. Last evaluated: 2019-04-15. Review status: no assertion criteria provided. Collection method: case-control. Allele origin: inherited. Inheritance: Autosomal recessive inheritance. Affected: yes. Observed: 1 variant allele, 1 homozygote. Not counted in ClinVar's aggregate classification.
Comment: This mutation is confirmed by intracellular lack of expression of MPO enzyme by flow cytometer.

NM_000250.2(MPO):c.1783G>A (p.Gly595Ser)

Genes: MPO (myeloperoxidase; minus strand), LOC106694316 (enhancer region in introns 7-9 of MPO; plus strand). Cytogenetic location: 17q22.
Variant type: single nucleotide variant.
Coding change: c.1783G>A on transcript NM_000250.2 (MANE Select); coding-DNA position 1783, G replaced by A.
Protein change: p.Gly595Ser; replaces glycine 595 with serine.
Molecular consequence: missense variant.
Genome position (GRCh38, 1-based): chr17:58,272,757, C>T on the plus strand (G>A on the coding strand, the complement: MPO is on the minus strand). VCF-style: chr17-58272757-C-T. GRCh37 (hg19) VCF-style: chr17-56350118-C-T.
Other names: c.1783G>A (NM_000250.1); short protein forms G595S.
Identifiers: ClinVar variation 995959 (VCV000995959.6), dbSNP rs774984207, ClinGen allele CA8670535.